The following is an entry in ClinVar:

NM_024818.6(UBA5):c.796G>A (p.Val266Ile)

Genes: NPHP3-ACAD11 (NPHP3-ACAD11 readthrough (NMD candidate); minus strand), UBA5 (ubiquitin like modifier activating enzyme 5; plus strand). Cytogenetic location: 3q22.1.
Variant type: single nucleotide variant.
Coding change: c.796G>A on transcript NM_024818.6 (MANE Select); coding-DNA position 796, G replaced by A.
Protein change: p.Val266Ile; replaces valine 266 with isoleucine.
Molecular consequence: missense variant.
Genome position (GRCh38, 1-based): chr3:132,672,161, G>A. VCF-style: chr3-132672161-G-A. GRCh37 (hg19) VCF-style: chr3-132391005-G-A.
Other names: c.628G>A, p.Val210Ile (NM_001320210.2, NM_198329.4); c.526G>A, p.Val176Ile (NM_001321238.2); c.460G>A, p.Val154Ile (NM_001321239.1); short protein forms V154I, V176I, V210I, V266I.
Identifiers: ClinVar variation 2413092 (VCV002413092.3), dbSNP rs2530332345, ClinGen allele CA354574883.

ClinVar aggregate classification (germline): Uncertain significance (1 of 4 stars; one submission).

Submission:

GeneDx
Classification: Uncertain significance. Last evaluated: 2022-07-26. Review status: criteria provided, single submitter. Criteria: GeneDx Variant Classification Process June 2021. Collection method: clinical testing. Allele origin: germline. Affected: yes.
Comment: Not observed at significant frequency in large population cohorts (gnomAD); In silico analysis supports that this missense variant does not alter protein structure/function; Has not been previously published as pathogenic or benign to our knowledge